The following is an entry in ClinVar:

ClinVar aggregate classification (germline): Uncertain significance (1 of 4 stars; one submission).

gnomAD v4.1: 15 of 1,613,974 alleles (0.00093%); highest among the groups gnomAD compares: Non-Finnish European, 0.0013%; no homozygotes.

Submission:

Labcorp Genetics (formerly Invitae), Labcorp
Classification: Uncertain significance. Last evaluated: 2025-11-24. Review status: criteria provided, single submitter. Criteria: Invitae Variant Classification Sherloc (09022015). Collection method: clinical testing. Allele origin: germline.
Comment: This sequence change replaces serine, which is neutral and polar, with phenylalanine, which is neutral and non-polar, at codon 1302 of the POLR1A protein (p.Ser1302Phe). This variant is present in population databases (rs762694463, gnomAD 0.004%). This variant has not been reported in the literature in individuals affected with POLR1A-related conditions. Invitae Evidence Modeling of protein sequence and biophysical properties (such as structural, functional, and spatial information, amino acid conservation, physicochemical variation, residue mobility, and thermodynamic stability) indicates that this missense variant is not expected to disrupt POLR1A protein function with a negative predictive value of 80%. In summary, the available evidence is currently insufficient to determine the role of this variant in disease. Therefore, it has been classified as a Variant of Uncertain Significance.

NM_015425.6(POLR1A):c.3905C>T (p.Ser1302Phe)

Gene: POLR1A (RNA polymerase I subunit A; minus strand). Cytogenetic location: 2p11.2.
Variant type: single nucleotide variant.
Coding change: c.3905C>T on transcript NM_015425.6 (MANE Select); coding-DNA position 3905, C replaced by T.
Protein change: p.Ser1302Phe; replaces serine 1302 with phenylalanine.
Molecular consequence: missense variant.
Genome position (GRCh38, 1-based): chr2:86,038,829, G>A on the plus strand (C>T on the coding strand, the complement: POLR1A is on the minus strand). VCF-style: chr2-86038829-G-A. GRCh37 (hg19) VCF-style: chr2-86265952-G-A.
Other names: short protein forms S1302F.
Identifiers: ClinVar variation 4753919 (VCV004753919.1).